The following is an entry in ClinVar:

ClinVar aggregate classification (germline): Uncertain significance (1 of 4 stars; one submission).

Allele frequency attached by ClinVar (database versions not stated): 1000 Genomes Project 30x 0.00016; 1000 Genomes Project 0.00020.
gnomAD v4.1: 39 of 1,613,656 alleles (0.0024%); highest among the groups gnomAD compares: African/African-American, 0.047%; no homozygotes.

Submission:

Labcorp Genetics (formerly Invitae), Labcorp
Classification: Uncertain significance. Last evaluated: 2025-11-21. Review status: criteria provided, single submitter. Criteria: Invitae Variant Classification Sherloc (09022015). Collection method: clinical testing. Allele origin: germline.
Comment: This sequence change replaces arginine, which is basic and polar, with serine, which is neutral and polar, at codon 65 of the DNA2 protein (p.Arg65Ser). This variant is present in population databases (rs540241779, gnomAD 0.06%). This variant has not been reported in the literature in individuals affected with DNA2-related conditions. ClinVar contains an entry for this variant (Variation ID: 1494880). Invitae Evidence Modeling of protein sequence and biophysical properties (such as structural, functional, and spatial information, amino acid conservation, physicochemical variation, residue mobility, and thermodynamic stability) indicates that this missense variant is not expected to disrupt DNA2 protein function with a negative predictive value of 80%. In summary, the available evidence is currently insufficient to determine the role of this variant in disease. Therefore, it has been classified as a Variant of Uncertain Significance.

NM_001080449.3(DNA2):c.193C>A (p.Arg65Ser)

Gene: DNA2 (DNA replication helicase/nuclease 2; minus strand). Cytogenetic location: 10q21.3.
Variant type: single nucleotide variant.
Coding change: c.193C>A on transcript NM_001080449.3 (MANE Select); coding-DNA position 193, C replaced by A.
Protein change: p.Arg65Ser; replaces arginine 65 with serine.
Molecular consequence: missense variant. On other transcripts: non-coding transcript variant (1).
Genome position (GRCh38, 1-based): chr10:68,470,045, G>T on the plus strand (C>A on the coding strand, the complement: DNA2 is on the minus strand). VCF-style: chr10-68470045-G-T. GRCh37 (hg19) VCF-style: chr10-70229802-G-T.
Other names: short protein forms R65S.
Identifiers: ClinVar variation 1494880 (VCV001494880.6), dbSNP rs540241779, ClinGen allele CA5525358.